The following is an entry in ClinVar:

NM_001378615.1(CC2D2A):c.4655_4656dup (p.Gln1553fs)

Genes: CC2D2A (coiled-coil and C2 domain containing 2A; plus strand), FBXL5 (F-box and leucine rich repeat protein 5; minus strand). Cytogenetic location: 4p15.32.
Variant type: Duplication.
Coding change: c.4655_4656dup on transcript NM_001378615.1 (MANE Select); coding-DNA positions 4655 to 4656, 2 bases duplicated (AA; older notation c.4655_4656dupAA).
Protein change: p.Gln1553fs; shifts the reading frame from glutamine 1553.
Molecular consequence: frameshift variant.
Genome position (GRCh38, 1-based): chr4:15,599,687-15,599,688, AA duplicated; duplicating any 2 consecutive bases within chr4:15,599,685-15,599,688 gives the same sequence; the c. name uses the placement nearest the transcript's 3' end. VCF-style (leftmost placement, unchanged base first): chr4-15599684-T-TAA. GRCh37 (hg19) VCF-style: chr4-15601307-T-TAA.
Other names: c.4655_4656dup, p.Gln1553fs (NM_001080522.2); c.4508_4509dup, p.Gln1504fs (NM_001378617.1); short protein forms Q1504fs, Q1553fs.
Identifiers: ClinVar variation 2934649 (VCV002934649.3), dbSNP rs2475157352, ClinGen allele CA2740091262.
Genomic context (GRCh38, chr4:15,599,684, plus strand): 5'-TGCCTCTGTTAGAAAAAAGTCAAGGAGAAGATGTAGAAGATGACCACAGAGCAGAACTGC[T>TAA]AAAACAGCTGGGAGACTACAGGGTAAGTTACAAATGGATCCTAAACTGACTGTGGATTTC-3'

ClinVar aggregate classification (germline): Pathogenic (1 of 4 stars; one submission).

Conditions:
Joubert syndrome. Also called: JOUBERT-BOLTSHAUSER SYNDROME; Familial aplasia of the vermis. Identifiers: Orphanet 475, MedGen C5979921, MONDO:0018772.
Meckel-Gruber syndrome. Also called: DYSENCEPHALIA SPLANCHNOCYSTICA; GRUBER SYNDROME; Dysencephalia splachnocystica. Identifiers: Orphanet 564, MedGen C0265215, MONDO:0018921.

Submission:

Labcorp Genetics (formerly Invitae), Labcorp
Classification: Pathogenic for Joubert syndrome; Meckel-Gruber syndrome. Last evaluated: 2023-07-13. Review status: criteria provided, single submitter. Criteria: Invitae Variant Classification Sherloc (09022015). Collection method: clinical testing. Allele origin: germline.
Comment: This variant disrupts a region of the CC2D2A protein in which other variant(s) (p.Ala1577Valfs*5) have been determined to be pathogenic (PMID: 30267408). This suggests that this is a clinically significant region of the protein, and that variants that disrupt it are likely to be disease-causing. For these reasons, this variant has been classified as Pathogenic. This variant has not been reported in the literature in individuals affected with CC2D2A-related conditions. This variant is not present in population databases (gnomAD no frequency). This sequence change creates a premature translational stop signal (p.Gln1553Asnfs*20) in the CC2D2A gene. While this is not anticipated to result in nonsense mediated decay, it is expected to disrupt the last 68 amino acid(s) of the CC2D2A protein.

Literature cited by the submitters: PubMed 30267408.